The following is an entry in ClinVar:

ClinVar aggregate classification (germline): Likely benign (0 of 4 stars; one submission).

Conditions:
HEPHL1-related disorder. Also called: HEPHL1-related condition.

Allele frequency attached by ClinVar (database versions not stated): gnomAD exomes 0.00016; ExAC 0.00051; gnomAD 0.00151; ESP Exome Variant Server 0.00155; TOPMed 0.00171; 1000 Genomes Project 0.00180; 1000 Genomes Project 30x 0.00203.
gnomAD v4.1: 467 of 1,613,928 alleles (0.029%); highest among the groups gnomAD compares: African/African-American, 0.5%; 2 homozygotes.

Submission:

PreventionGenetics, part of Exact Sciences
Classification: Likely benign for HEPHL1-related condition. Last evaluated: 2019-11-26. Review status: no assertion criteria provided. Collection method: clinical testing. Allele origin: germline.
Comment: This variant is classified as likely benign based on ACMG/AMP sequence variant interpretation guidelines (Richards et al. 2015 PMID: 25741868, with internal and published modifications).

NM_001098672.2(HEPHL1):c.524C>T (p.Thr175Ile)

Gene: HEPHL1 (hephaestin like 1; plus strand). Cytogenetic location: 11q21.
Variant type: single nucleotide variant.
Coding change: c.524C>T on transcript NM_001098672.2 (MANE Select); coding-DNA position 524, C replaced by T.
Protein change: p.Thr175Ile; replaces threonine 175 with isoleucine.
Molecular consequence: missense variant.
Genome position (GRCh38, 1-based): chr11:94,063,616, C>T. VCF-style: chr11-94063616-C-T. GRCh37 (hg19) VCF-style: chr11-93796782-C-T.
Other names: short protein forms T175I.
Identifiers: ClinVar variation 3045219 (VCV003045219.2), dbSNP rs114542505, ClinGen allele CA6232983.